The following is an entry in ClinVar:

NM_018489.3(ASH1L):c.3434T>G (p.Met1145Arg)

Gene: ASH1L (ASH1 like histone lysine methyltransferase; minus strand). Cytogenetic location: 1q22.
Variant type: single nucleotide variant.
Coding change: c.3434T>G on transcript NM_018489.3 (MANE Select); coding-DNA position 3434, T replaced by G.
Protein change: p.Met1145Arg; replaces methionine 1145 with arginine.
Molecular consequence: missense variant.
Genome position (GRCh38, 1-based): chr1:155,479,436, A>C on the plus strand (T>G on the coding strand, the complement: ASH1L is on the minus strand). VCF-style: chr1-155479436-A-C. GRCh37 (hg19) VCF-style: chr1-155449227-A-C.
Other names: c.3434T>G, p.Met1145Arg (NM_001366177.2); short protein forms M1145R.
Identifiers: ClinVar variation 5002736 (VCV005002736.1).

ClinVar aggregate classification (germline): Uncertain significance (1 of 4 stars; one submission).

Conditions:
Intellectual developmental disorder, autosomal dominant 52. Also called: Intellectual disability, autosomal dominant 52; Mental retardation, autosomal dominant 52. Identifiers: MedGen C4540478, MONDO:0030918, OMIM 617796.

Submission:

OLLIN Analises Genomicas, OLLIN
Classification: Uncertain significance for Intellectual developmental disorder, autosomal dominant 52. Last evaluated: 2026-08-06. Review status: criteria provided, single submitter. Criteria: ACMG Guidelines 2015 PMID 25741868. Collection method: clinical testing. Allele origin: germline. Inheritance: Autosomal dominant inheritance.
Comment: This missense variant, located in exon 3 (of 28), is absent from gnomAD and ClinVar and has not been identified in the literature. In silico analysis is inconclusive regarding the impact of this variant. According to the currently available evidence, this variant has been classified as uncertain significance (PM2_P).